The following is an entry in ClinVar:

ClinVar aggregate classification (germline): Uncertain significance (1 of 4 stars; one submission).

Conditions:
Immunodeficiency 23 (IMD23). Also called: IMMUNODEFICIENCY WITH HYPER IgE AND COGNITIVE IMPAIRMENT; IMMUNODEFICIENCY-VASCULITIS-MYOCLONUS SYNDROME. Identifiers: Orphanet 443811, MedGen C4014371, MONDO:0014353, OMIM 615816.

Allele frequency attached by ClinVar (database versions not stated): ExAC 0.00001; gnomAD exomes 0.00002; TOPMed 0.00002; gnomAD 0.00003 and 0.00004.

Submission:

Labcorp Genetics (formerly Invitae), Labcorp
Classification: Uncertain significance for Immunodeficiency 23. Last evaluated: 2022-08-16. Review status: criteria provided, single submitter. Criteria: Invitae Variant Classification Sherloc (09022015). Collection method: clinical testing. Allele origin: germline.
Comment: This sequence change replaces glycine, which is neutral and non-polar, with aspartic acid, which is acidic and polar, at codon 32 of the PGM3 protein (p.Gly32Asp). This variant is present in population databases (rs762878360, gnomAD 0.006%). This variant has not been reported in the literature in individuals affected with PGM3-related conditions. ClinVar contains an entry for this variant (Variation ID: 942191). Algorithms developed to predict the effect of missense changes on protein structure and function output the following: SIFT: "Tolerated"; PolyPhen-2: "Benign"; Align-GVGD: "Class C0". The aspartic acid amino acid residue is found in multiple mammalian species, which suggests that this missense change does not adversely affect protein function. In summary, the available evidence is currently insufficient to determine the role of this variant in disease. Therefore, it has been classified as a Variant of Uncertain Significance.

NM_015599.3(PGM3):c.11G>A (p.Gly4Asp)

Gene: PGM3 (phosphoglucomutase 3; minus strand). Cytogenetic location: 6q14.1.
Variant type: single nucleotide variant.
Coding change: c.11G>A on transcript NM_015599.3 (MANE Select); coding-DNA position 11, G replaced by A.
Protein change: p.Gly4Asp; replaces glycine 4 with aspartic acid.
Molecular consequence: missense variant. On other transcripts: non-coding transcript variant (1), intron variant (1).
Genome position (GRCh38, 1-based): chr6:83,191,002, C>T on the plus strand (G>A on the coding strand, the complement: PGM3 is on the minus strand). VCF-style: chr6-83191002-C-T. GRCh37 (hg19) VCF-style: chr6-83900721-C-T.
Other names: c.95G>A, p.Gly32Asp (NM_001199917.2, NM_001367287.1); c.11G>A, p.Gly4Asp (NM_001199919.2, NM_001367286.1); c.-40+2177G>A (NM_001199918.2); short protein forms G32D, G4D.
Identifiers: ClinVar variation 942191 (VCV000942191.7), dbSNP rs762878360, ClinGen allele CA3906912.